The following is an entry in ClinVar:

ClinVar aggregate classification (germline): Uncertain significance (1 of 4 stars; one submission).

Conditions:
Mucolipidosis type IV (ML4). Also called: ML IV. Identifiers: Orphanet 578, MedGen C0238286, MONDO:0009653, OMIM 252650.

Submission:

Labcorp Genetics (formerly Invitae), Labcorp
Classification: Uncertain significance for Mucolipidosis type IV. Last evaluated: 2022-07-29. Review status: criteria provided, single submitter. Criteria: Invitae Variant Classification Sherloc (09022015). Collection method: clinical testing. Allele origin: germline.
Comment: This sequence change replaces glycine, which is neutral and non-polar, with arginine, which is basic and polar, at codon 293 of the MCOLN1 protein (p.Gly293Arg). This variant also falls at the last nucleotide of exon 7, which is part of the consensus splice site for this exon. This variant is not present in population databases (gnomAD no frequency). This variant has not been reported in the literature in individuals affected with MCOLN1-related conditions. Algorithms developed to predict the effect of missense changes on protein structure and function (SIFT, PolyPhen-2, Align-GVGD) all suggest that this variant is likely to be tolerated. Variants that disrupt the consensus splice site are a relatively common cause of aberrant splicing (PMID: 17576681, 9536098). Algorithms developed to predict the effect of sequence changes on RNA splicing suggest that this variant may disrupt the consensus splice site. In summary, the available evidence is currently insufficient to determine the role of this variant in disease. Therefore, it has been classified as a Variant of Uncertain Significance.

Literature cited by the submitters: PubMed 17576681; PubMed 9536098.

NM_020533.3(MCOLN1):c.877G>C (p.Gly293Arg)

Gene: MCOLN1 (mucolipin TRP cation channel 1; plus strand). Cytogenetic location: 19p13.2.
Variant type: single nucleotide variant.
Coding change: c.877G>C on transcript NM_020533.3 (MANE Select); coding-DNA position 877, G replaced by C.
Protein change: p.Gly293Arg; replaces glycine 293 with arginine.
Molecular consequence: missense variant.
Genome position (GRCh38, 1-based): chr19:7,528,257, G>C. VCF-style: chr19-7528257-G-C. GRCh37 (hg19) VCF-style: chr19-7593143-G-C.
Other names: short protein forms G293R.
Identifiers: ClinVar variation 2020264 (VCV002020264.4), dbSNP rs1599254675, ClinGen allele CA403085019.